The following is an entry in ClinVar:

NM_002693.3(POLG):c.146_166dup (p.Gln55_Pro56insGlnGlnGlnGlnGlnGlnGln)

Genes: POLG (DNA polymerase gamma, catalytic subunit; minus strand), POLGARF (POLG alternative reading frame; minus strand). Cytogenetic location: 15q26.1.
Variant type: Duplication.
Coding change: c.146_166dup on transcript NM_002693.3 (MANE Select); coding-DNA positions 146 to 166, 21 bases duplicated (AGCAGCAGCAGCAACAGCAGC).
Protein change: p.Gln55_Pro56insGlnGlnGlnGlnGlnGlnGln.
Molecular consequence: inframe insertion.
Genome position (GRCh38, 1-based): chr15:89,333,589-89,333,609, GCTGCTGTTGCTGCTGCTGCT duplicated on the plus strand (AGCAGCAGCAGCAACAGCAGC on the coding strand, the reverse complement: POLG is on the minus strand); duplicating any 21 consecutive bases within chr15:89,333,589-89,333,616 gives the same sequence; the c. name uses the placement nearest the transcript's 3' end. VCF-style (leftmost placement, unchanged base first): chr15-89333588-G-GGCTGCTGTTGCTGCTGCTGCT. GRCh37 (hg19) VCF-style: chr15-89876819-G-GGCTGCTGTTGCTGCTGCTGCT.
Other names: c.146_166dup, p.Gln55_Pro56insGlnGlnGlnGlnGlnGlnGln (NM_001126131.2).
Identifiers: ClinVar variation 2093752 (VCV002093752.1), dbSNP rs2055626012, ClinGen allele CA2194573138.

ClinVar aggregate classification (germline): Uncertain significance (1 of 4 stars; one submission).

Conditions:
Progressive sclerosing poliodystrophy (MTDPS4A). Also called: Mitochondrial DNA Depletion Syndrome 4A; Alpers-Huttenlocher Syndrome (AHS); ALPERS PROGRESSIVE INFANTILE POLIODYSTROPHY; NEURONAL DEGENERATION OF CHILDHOOD WITH LIVER DISEASE, PROGRESSIVE; Mitochondrial DNA depletion syndrome 4A (Alpers type); Alpers Syndrome. Identifiers: Orphanet 726, MedGen C0205710, MONDO:0008758, OMIM 203700.

Submission:

Labcorp Genetics (formerly Invitae), Labcorp
Classification: Uncertain significance for Progressive sclerosing poliodystrophy. Last evaluated: 2022-07-14. Review status: criteria provided, single submitter. Criteria: Invitae Variant Classification Sherloc (09022015). Collection method: clinical testing. Allele origin: germline.
Comment: This variant, c.146_166dup, results in the insertion of 7 amino acid(s) of the POLG protein (p.Gln49_Gln55dup), but otherwise preserves the integrity of the reading frame. This variant is not present in population databases (gnomAD no frequency). This variant has not been reported in the literature in individuals affected with POLG-related conditions. In summary, the available evidence is currently insufficient to determine the role of this variant in disease. Therefore, it has been classified as a Variant of Uncertain Significance.